The following is an entry in ClinVar:

ClinVar aggregate classification (germline): Benign/Likely benign. Review status: criteria provided, multiple submitters, no conflicts (2 of 4 stars). 3 submissions from 3 submitters: Benign (1); Likely benign (2). Last evaluated 2026-01-02.

Conditions:
Oto-palato-digital syndrome, type II (OPD2). Also called: Otopalatodigital Syndrome Type 2 (FLNA-OPD2); Otopalatodigital Syndrome, Type II; OPD II SYNDROME; FACIOPALATOOSSEOUS SYNDROME. Identifiers: Orphanet 669, Orphanet 90652, MedGen C1844696, MONDO:0010571, OMIM 304120.
Heterotopia, periventricular, X-linked dominant (PVNH1). Also called: PERIVENTRICULAR NODULAR HETEROTOPIA 1; PERIVENTRICULAR NODULAR HETEROTOPIA 4; HETEROTOPIA, PERIVENTRICULAR, 1; X-linked periventricular heterotopia. Identifiers: Orphanet 2149, Orphanet 82004, MedGen C1848213, MONDO:0010233, OMIM 300049.
Melnick-Needles syndrome (MNS). Also called: Melnick-Needles Syndrome (FLNA-MNS); OSTEODYSPLASTY OF MELNICK AND NEEDLES; MELNICK-NEEDLES OSTEODYSPLASTY. Identifiers: Orphanet 2484, MedGen C0025237, MONDO:0010650, OMIM 309350.
Frontometaphyseal dysplasia (FMD1). Identifiers: Orphanet 1826, MedGen C0265293, MONDO:0015942.

Allele frequency attached by ClinVar (database versions not stated): TOPMed 0.00005; gnomAD exomes 0.00008 and 0.00010; gnomAD 0.00009; ExAC 0.00010.
gnomAD v4.1: 92 of 1,167,382 alleles (0.0079%); highest among the groups gnomAD compares: Admixed American, 0.02%; no homozygotes.

Submissions (3):

Labcorp Genetics (formerly Invitae), Labcorp
Classification: Benign for Oto-palato-digital syndrome, type II; Heterotopia, periventricular, X-linked dominant; Frontometaphyseal dysplasia; Melnick-Needles syndrome. Last evaluated: 2026-01-02. Review status: criteria provided, single submitter. Criteria: Invitae Variant Classification Sherloc (09022015). Collection method: clinical testing. Allele origin: germline.

Mayo Clinic Laboratories, Mayo Clinic
Classification: Likely benign. Last evaluated: 2025-05-27. Review status: criteria provided, single submitter. Criteria: ACMG Guidelines, 2015. Collection method: clinical testing. Allele origin: germline. Observed: 1 variant allele.
Comment: BP4, BP7

Blueprint Genetics
Classification: Likely benign. Last evaluated: 2023-11-30. Review status: criteria provided, single submitter. Criteria: ACMG Guidelines, 2015. Collection method: clinical testing. Allele origin: germline.

NM_001110556.2(FLNA):c.7023+10C>T

Gene: FLNA (filamin A; minus strand). Cytogenetic location: Xq28.
Variant type: single nucleotide variant.
Coding change: c.7023+10C>T on transcript NM_001110556.2 (MANE Select); 10 bases into the intron after coding-DNA position 7023, C replaced by T.
Molecular consequence: intron variant.
Genome position (GRCh38, 1-based): chrX:154,351,571, G>A on the plus strand (C>T on the coding strand, the complement: FLNA is on the minus strand). VCF-style: chrX-154351571-G-A. GRCh37 (hg19) VCF-style: chrX-153579939-G-A.
Other names: p.?; c.6999+10C>T (NM_001456.4).
Identifiers: ClinVar variation 533591 (VCV000533591.15), dbSNP rs782777494, ClinGen allele CA10559973.